The following is an entry in ClinVar:

ClinVar aggregate classification (germline): Likely pathogenic (1 of 4 stars; one submission).

Conditions:
Glycogen storage disease due to lactate dehydrogenase M-subunit deficiency (GSD11). Also called: Glycogen storage disease XI; GSD XI; LACTATE DEHYDROGENASE A DEFICIENCY. Identifiers: Orphanet 284426, MedGen C2931743, MONDO:0013047, OMIM 612933.

Submission:

Labcorp Genetics (formerly Invitae), Labcorp
Classification: Likely pathogenic for Glycogen storage disease due to lactate dehydrogenase M-subunit deficiency. Last evaluated: 2025-01-31. Review status: criteria provided, single submitter. Criteria: Invitae Variant Classification Sherloc (09022015). Collection method: clinical testing. Allele origin: germline.
Comment: This sequence change affects an acceptor splice site in intron 4 of the LDHA gene. It is expected to disrupt RNA splicing. Variants that disrupt the donor or acceptor splice site typically lead to a loss of protein function (PMID: 16199547), and loss-of-function variants in LDHA are known to be pathogenic (PMID: 1959923). This variant is not present in population databases (gnomAD no frequency). This variant has not been reported in the literature in individuals affected with LDHA-related conditions. Algorithms developed to predict the effect of sequence changes on RNA splicing suggest that this variant may disrupt the consensus splice site. In summary, the currently available evidence indicates that the variant is pathogenic, but additional data are needed to prove that conclusively. Therefore, this variant has been classified as Likely Pathogenic.

Literature cited by the submitters: PubMed 16199547; PubMed 1959923.

NM_005566.4(LDHA):c.419-1G>C

Gene: LDHA (lactate dehydrogenase A; plus strand). Cytogenetic location: 11p15.1.
Variant type: single nucleotide variant.
Coding change: c.419-1G>C on transcript NM_005566.4 (MANE Select); the canonical splice acceptor site of the intron before coding-DNA position 419, G replaced by C.
Molecular consequence: splice acceptor variant.
Genome position (GRCh38, 1-based): chr11:18,402,839, G>C. VCF-style: chr11-18402839-G-C. GRCh37 (hg19) VCF-style: chr11-18424386-G-C.
Other names: c.419-1G>C (NM_001165416.2, NM_001165415.2); c.245-1G>C (NM_001135239.2); c.506-1G>C (NM_001165414.2).
Identifiers: ClinVar variation 4712109 (VCV004712109.1).